The following is an entry in ClinVar:

NM_019892.6(INPP5E):c.268G>A (p.Gly90Ser)

Gene: INPP5E (inositol polyphosphate-5-phosphatase E; minus strand). Cytogenetic location: 9q34.3.
Variant type: single nucleotide variant.
Coding change: c.268G>A on transcript NM_019892.6 (MANE Select); coding-DNA position 268, G replaced by A.
Protein change: p.Gly90Ser; replaces glycine 90 with serine.
Molecular consequence: missense variant.
Genome position (GRCh38, 1-based): chr9:136,439,152, C>T on the plus strand (G>A on the coding strand, the complement: INPP5E is on the minus strand). VCF-style: chr9-136439152-C-T. GRCh37 (hg19) VCF-style: chr9-139333604-C-T.
Other names: c.268G>A, p.Gly90Ser (NM_001318502.2); c.268G>A (NM_019892.5, NM_019892.4); short protein forms G90S.
Identifiers: ClinVar variation 1975011 (VCV001975011.9), dbSNP rs938893997, ClinGen allele CA201649190.

ClinVar aggregate classification (germline): Conflicting classifications of pathogenicity. Review status: criteria provided, conflicting classifications (1 of 4 stars). 4 submissions from 4 submitters: Uncertain significance (2); Likely benign (1). 1 of the submissions does not count toward it. Last evaluated 2025-03-19.

Conditions:
Joubert syndrome. Also called: JOUBERT-BOLTSHAUSER SYNDROME; Familial aplasia of the vermis. Identifiers: Orphanet 475, MedGen C5979921, MONDO:0018772.
INPP5E-related disorder. Also called: INPP5E-related condition.
Inborn genetic diseases. Identifiers: MedGen C0950123, MeSH D030342.

Allele frequency attached by ClinVar (database versions not stated): gnomAD 0.00001; gnomAD exomes 0.00001; TOPMed 0.00002.

Submissions (4):

Ambry Genetics
Classification: Uncertain significance for Inborn genetic diseases. Last evaluated: 2025-03-19. Review status: criteria provided, single submitter. Criteria: Ambry Variant Classification Scheme 2023. Collection method: clinical testing. Allele origin: germline.

Blueprint Genetics
Classification: Likely benign. Last evaluated: 2022-11-05. Review status: criteria provided, single submitter. Criteria: ACMG Guidelines, 2015. Collection method: clinical testing. Allele origin: germline.

Labcorp Genetics (formerly Invitae), Labcorp
Classification: Uncertain significance for Joubert syndrome. Last evaluated: 2022-09-27. Review status: criteria provided, single submitter. Criteria: Invitae Variant Classification Sherloc (09022015). Collection method: clinical testing. Allele origin: germline.
Comment: In summary, the available evidence is currently insufficient to determine the role of this variant in disease. Therefore, it has been classified as a Variant of Uncertain Significance. Advanced modeling of protein sequence and biophysical properties (such as structural, functional, and spatial information, amino acid conservation, physicochemical variation, residue mobility, and thermodynamic stability) performed at Invitae indicates that this missense variant is not expected to disrupt INPP5E protein function. This variant has not been reported in the literature in individuals affected with INPP5E-related conditions. The frequency data for this variant in the population databases is considered unreliable, as metrics indicate poor data quality at this position in the gnomAD database. This sequence change replaces glycine, which is neutral and non-polar, with serine, which is neutral and polar, at codon 90 of the INPP5E protein (p.Gly90Ser).

PreventionGenetics, part of Exact Sciences
Classification: Uncertain significance for INPP5E-related condition. Last evaluated: 2024-08-11. Review status: no assertion criteria provided. Collection method: clinical testing. Allele origin: germline. Not counted in ClinVar's aggregate classification.
Comment: The INPP5E c.268G>A variant is predicted to result in the amino acid substitution p.Gly90Ser. To our knowledge, this variant has not been reported in the literature. This variant is reported in 0.020% of alleles in individuals of Latino descent in gnomAD. At this time, the clinical significance of this variant is uncertain due to the absence of conclusive functional and genetic evidence.